The following is an entry in ClinVar:

NM_004991.4(MECOM):c.2998C>T (p.His1000Tyr)

Gene: MECOM (MDS1 and EVI1 complex locus; minus strand). Cytogenetic location: 3q26.2.
Variant type: single nucleotide variant.
Coding change: c.2998C>T on transcript NM_004991.4 (MANE Select); coding-DNA position 2998, C replaced by T.
Protein change: p.His1000Tyr; replaces histidine 1000 with tyrosine.
Molecular consequence: missense variant.
Genome position (GRCh38, 1-based): chr3:169,095,097, G>A on the plus strand (C>T on the coding strand, the complement: MECOM is on the minus strand). VCF-style: chr3-169095097-G-A. GRCh37 (hg19) VCF-style: chr3-168812885-G-A.
Other names: p.His812Tyr; c.2998C>T (NM_004991.3); c.2629C>T, p.His877Tyr (NM_001105077.4); c.2434C>T, p.His812Tyr (NM_001105078.4, NM_001205194.2, NM_001366469.2 and 1 more transcripts); c.2410C>T, p.His804Tyr (NM_001163999.2, NM_001366470.2); c.2407C>T, p.His803Tyr (NM_001164000.2, NM_001366471.2, NM_001366472.2); c.2971C>T, p.His991Tyr (NM_001366466.2); c.2437C>T, p.His813Tyr (NM_001366467.2, NM_001366468.2); and 2 more; short protein forms H803Y, H812Y, H877Y, H667Y, H1000Y, H804Y, H479Y, H813Y.
Identifiers: ClinVar variation 2730283 (VCV002730283.5), dbSNP rs1349745996, ClinGen allele CA355073306.

ClinVar aggregate classification (germline): Uncertain significance. Review status: criteria provided, multiple submitters, no conflicts (2 of 4 stars). 3 submissions from 3 submitters: Uncertain significance (3). Last evaluated 2025-09-17.

Conditions:
Inborn genetic diseases. Identifiers: MedGen C0950123, MeSH D030342.

Allele frequency attached by ClinVar (database versions not stated): gnomAD 0.00001; gnomAD exomes 0.00001; TOPMed 0.00001.
gnomAD v4.1: 10 of 1,608,728 alleles (0.00062%); highest among the groups gnomAD compares: Non-Finnish European, 0.00085%; no homozygotes.

Submissions (3):

Mayo Clinic Laboratories, Mayo Clinic
Classification: Uncertain significance. Last evaluated: 2025-09-17. Review status: criteria provided, single submitter. Criteria: ACMG Guidelines, 2015. Collection method: clinical testing. Allele origin: germline. Observed: 1 variant allele.
Comment: PP3

Ambry Genetics
Classification: Uncertain significance for Inborn genetic diseases. Last evaluated: 2024-11-24. Review status: criteria provided, single submitter. Criteria: Ambry Variant Classification Scheme 2023. Collection method: clinical testing. Allele origin: germline.
Comment: The p.H1000Y variant (also known as c.2998C>T), located in coding exon 13 of the MECOM gene, results from a C to T substitution at nucleotide position 2998. The histidine at codon 1000 is replaced by tyrosine, an amino acid with similar properties. This amino acid position is conserved. In addition, this alteration is predicted to be deleterious by in silico analysis. Based on the available evidence, the clinical significance of this variant remains unclear.

Labcorp Genetics (formerly Invitae), Labcorp
Classification: Uncertain significance. Last evaluated: 2022-12-31. Review status: criteria provided, single submitter. Criteria: Invitae Variant Classification Sherloc (09022015). Collection method: clinical testing. Allele origin: germline.
Comment: This variant is present in population databases (no rsID available, gnomAD 0.002%). In summary, the available evidence is currently insufficient to determine the role of this variant in disease. Therefore, it has been classified as a Variant of Uncertain Significance. Algorithms developed to predict the effect of missense changes on protein structure and function are either unavailable or do not agree on the potential impact of this missense change (SIFT: "Deleterious"; PolyPhen-2: "Probably Damaging"; Align-GVGD: "Class C0"). This variant has not been reported in the literature in individuals affected with MECOM-related conditions. This sequence change replaces histidine, which is basic and polar, with tyrosine, which is neutral and polar, at codon 812 of the MECOM protein (p.His812Tyr).